The following is an entry in ClinVar:

NM_020693.4(DSCAML1):c.904T>C (p.Ser302Pro)

Gene: DSCAML1 (DS cell adhesion molecule like 1; minus strand). Cytogenetic location: 11q23.3.
Variant type: single nucleotide variant.
Coding change: c.904T>C on transcript NM_020693.4 (MANE Select); coding-DNA position 904, T replaced by C.
Protein change: p.Ser302Pro; replaces serine 302 with proline.
Molecular consequence: missense variant.
Genome position (GRCh38, 1-based): chr11:117,524,838, A>G on the plus strand (T>C on the coding strand, the complement: DSCAML1 is on the minus strand). VCF-style: chr11-117524838-A-G. GRCh37 (hg19) VCF-style: chr11-117395553-A-G.
Other names: c.904T>C, p.Ser302Pro (NM_001367904.1); c.496T>C, p.Ser166Pro (NM_001367905.1); short protein forms S302P, S166P.
Identifiers: ClinVar variation 2857611 (VCV002857611.3), dbSNP rs1018736810, ClinGen allele CA229378370.

ClinVar aggregate classification (germline): Uncertain significance (1 of 4 stars; one submission).

Submission:

Labcorp Genetics (formerly Invitae), Labcorp
Classification: Uncertain significance. Last evaluated: 2023-04-19. Review status: criteria provided, single submitter. Criteria: Invitae Variant Classification Sherloc (09022015). Collection method: clinical testing. Allele origin: germline.
Comment: This sequence change replaces serine, which is neutral and polar, with proline, which is neutral and non-polar, at codon 362 of the DSCAML1 protein (p.Ser362Pro). This variant is not present in population databases (gnomAD no frequency). This variant has not been reported in the literature in individuals affected with DSCAML1-related conditions. An algorithm developed to predict the effect of missense changes on protein structure and function (PolyPhen-2) suggests that this variant is likely to be disruptive. In summary, the available evidence is currently insufficient to determine the role of this variant in disease. Therefore, it has been classified as a Variant of Uncertain Significance.